The following is an entry in ClinVar:

NM_007294.4(BRCA1):c.1085dup (p.Asn363fs)

Gene: BRCA1 (BRCA1 DNA repair associated; minus strand). Cytogenetic location: 17q21.31.
Variant type: Duplication.
Coding change: c.1085dup on transcript NM_007294.4 (MANE Select); coding-DNA position 1085, one base duplicated (A; older notation c.1085dupA).
Protein change: p.Asn363fs; shifts the reading frame from asparagine 363.
Molecular consequence: frameshift variant. On other transcripts: intron variant (137).
Genome position (GRCh38, 1-based): chr17:43,094,446, T duplicated on the plus strand (A on the coding strand, the reverse complement: BRCA1 is on the minus strand). VCF-style (leftmost placement, unchanged base first): chr17-43094445-C-CT. GRCh37 (hg19) VCF-style: chr17-41246462-C-CT.
Other names: c.1085dupA (NM_007294.3); c.406+298dup (NM_001408510.1); c.643+298dup (NM_001408470.1, NM_001408464.1, NM_001408468.1 and 3 more transcripts); c.646+298dup (NM_001408469.1, NM_001408453.1, NM_001408461.1 and 11 more transcripts); c.784+298dup (NM_001408397.1, NM_001408401.1, NM_001408396.1 and 13 more transcripts); c.664+298dup (NM_001408436.1, NM_001408444.1, NM_001408438.1 and 12 more transcripts); c.787+298dup (NM_001407980.1, NM_001407993.1, NM_001407976.1 and 19 more transcripts); c.652+298dup (NM_001408451.1); and 41 more; short protein forms N316fs, N363fs, N293fs, N322fs, N360fs, N67fs, N195fs, N235fs.
Identifiers: ClinVar variation 548321 (VCV000548321.2), dbSNP rs1555592537, ClinGen allele CA658824539.

ClinVar aggregate classification (germline): Pathogenic (3 of 4 stars; one submission).

Conditions:
Breast-ovarian cancer, familial, susceptibility to, 1 (BROVCA1). Also called: BRCA1 Hereditary Breast and Ovarian Cancer; OVARIAN CANCER, SUSCEPTIBILITY TO. Identifiers: Orphanet 145, MedGen C2676676, MONDO:0011450, OMIM 604370. Disease mechanism: loss of function.

Submission:

Evidence-based Network for the Interpretation of Germline Mutant Alleles (ENIGMA)
Classification: Pathogenic for Breast-ovarian cancer, familial, susceptibility to, 1. Last evaluated: 2017-12-15. Review status: reviewed by expert panel. Criteria: ENIGMA BRCA1/2 Classification Criteria (2017-06-29). Collection method: curation. Allele origin: germline. Study: ENIGMA.
Comment: Variant allele predicted to encode a truncated non-functional protein.